The following is an entry in ClinVar:

ClinVar aggregate classification (germline): Pathogenic. Review status: criteria provided, multiple submitters, no conflicts (2 of 4 stars). 2 submissions from 2 submitters: Pathogenic (2). Last evaluated 2025-02-28.

Conditions:
Hereditary cancer-predisposing syndrome. Also called: Hereditary Cancer Syndrome; Hereditary neoplastic syndrome; Neoplastic Syndromes, Hereditary; Tumor predisposition. Identifiers: Orphanet 140162, MedGen C0027672, MeSH D009386, MONDO:0015356.
Birt-Hogg-Dube syndrome. Also called: Birt Hogg Dubé syndrome. Identifiers: Orphanet 122, MedGen C0346010, MONDO:0800444.

Allele frequency attached by ClinVar (database versions not stated): gnomAD exomes below 0.00001.

Submissions (2):

Ambry Genetics
Classification: Pathogenic for Hereditary cancer-predisposing syndrome. Last evaluated: 2025-02-28. Review status: criteria provided, single submitter. Criteria: Ambry Variant Classification Scheme 2023. Collection method: clinical testing. Allele origin: germline.
Comment: The c.578delT pathogenic mutation, located in coding exon 3 of the FLCN gene, results from a deletion of one nucleotide at nucleotide position 578, causing a translational frameshift with a predicted alternate stop codon (p.V193Afs*30). This variant is considered to be rare based on population cohorts in the Genome Aggregation Database (gnomAD). This alteration is expected to result in loss of function by premature protein truncation or nonsense-mediated mRNA decay. As such, this alteration is interpreted as a disease-causing mutation.

Labcorp Genetics (formerly Invitae), Labcorp
Classification: Pathogenic for Birt-Hogg-Dube syndrome. Last evaluated: 2024-10-16. Review status: criteria provided, single submitter. Criteria: Invitae Variant Classification Sherloc (09022015). Collection method: clinical testing. Allele origin: germline.
Comment: This sequence change creates a premature translational stop signal (p.Val193Alafs*30) in the FLCN gene. It is expected to result in an absent or disrupted protein product. Loss-of-function variants in FLCN are known to be pathogenic (PMID: 15852235). This variant is not present in population databases (gnomAD no frequency). This variant has not been reported in the literature in individuals affected with FLCN-related conditions. For these reasons, this variant has been classified as Pathogenic.

Literature cited by the submitters: PubMed 15852235 (cited by Labcorp Genetics (formerly Invitae), Labcorp).

NM_144997.7(FLCN):c.578del (p.Val193fs)

Gene: FLCN (folliculin; minus strand). Cytogenetic location: 17p11.2.
Variant type: Deletion.
Coding change: c.578del on transcript NM_144997.7 (MANE Select); coding-DNA position 578, one base deleted (T; older notation c.578delT).
Protein change: p.Val193fs; shifts the reading frame from valine 193.
Molecular consequence: frameshift variant.
Genome position (GRCh38, 1-based): chr17:17,223,962, A deleted on the plus strand (T on the coding strand, the reverse complement: FLCN is on the minus strand). VCF-style (leftmost placement, unchanged base first): chr17-17223961-GA-G. GRCh37 (hg19) VCF-style: chr17-17127275-GA-G.
Other names: c.632del, p.Val211fs (NM_001353229.2); c.578del, p.Val193fs (NM_001353230.2, NM_001353231.2, NM_144606.7); short protein forms V193fs, V211fs.
Identifiers: ClinVar variation 2855449 (VCV002855449.4), dbSNP rs2544251913, ClinGen allele CA2636354608.
Genomic context (GRCh38, chr17:17,223,961, plus strand): 5'-GCACCTCATCTCTGAATTCACCTTGAGCGCCTTGCCCTGGAGCTCATCGATGATTCCCCG[GA>G]CCTTCCCCAGCAGGAAGGGCCAGGAGTTGATGAGGTAGATCCGGTCCATCATGATGGTGA-3'